The following is an entry in ClinVar:

NM_001136472.2(LITAF):c.226G>A (p.Val76Met)

Gene: LITAF (lipopolysaccharide induced TNF factor; minus strand). Cytogenetic location: 16p13.13.
Variant type: single nucleotide variant.
Coding change: c.226G>A on transcript NM_001136472.2 (MANE Select); coding-DNA position 226, G replaced by A.
Protein change: p.Val76Met; replaces valine 76 with methionine.
Molecular consequence: missense variant. On other transcripts: non-coding transcript variant (1).
Genome position (GRCh38, 1-based): chr16:11,553,684, C>T on the plus strand (G>A on the coding strand, the complement: LITAF is on the minus strand). VCF-style: chr16-11553684-C-T. GRCh37 (hg19) VCF-style: chr16-11647540-C-T.
Other names: c.226G>A, p.Val76Met (NM_001136473.1, NM_004862.4); short protein forms V76M.
Identifiers: ClinVar variation 464048 (VCV000464048.51), dbSNP rs371334679, ClinGen allele CA7904106.
Genomic context (GRCh38, chr16:11,553,684, plus strand): 5'-AACACATTTGGATAGGGCGGTCCAAAAAGGTGATGGGGTGCTGCACGTAGACCGTCTGCA[C>T]GGTAACTGATGAAAGGGAGAGGGACAAACACAGGTTGCTCAGGAAACAAGGCCAATAGCA-3'
Protein context (NP_001129944.1, residues 66-86): APIPNNNPIT[Val76Met]QTVYVQHPIT

ClinVar aggregate classification (germline): Conflicting classifications of pathogenicity. Review status: criteria provided, conflicting classifications (1 of 4 stars). 4 submissions from 4 submitters: Uncertain significance (2); Likely benign (2). Last evaluated 2025-08-06.

Conditions:
Charcot-Marie-Tooth disease type 1C. Also called: CHARCOT-MARIE-TOOTH DISEASE, DEMYELINATING, TYPE 1C; HMSN IC; CHARCOT-MARIE-TOOTH NEUROPATHY, TYPE 1C; NEUROPATHY, HEREDITARY MOTOR AND SENSORY, TYPE IC; Charcot-Marie-Tooth disease, type IC; CMT, SLOW NERVE CONDUCTION TYPE C. Identifiers: Orphanet 101083, MedGen C0270913, MONDO:0010995, OMIM 601098.
Inborn genetic diseases. Identifiers: MedGen C0950123, MeSH D030342.

Allele frequency attached by ClinVar (database versions not stated): gnomAD 0.00021 and 0.00019; TOPMed 0.00024; ESP Exome Variant Server 0.00008; ExAC 0.00009; gnomAD exomes 0.00012.

Submissions (4):

Labcorp Genetics (formerly Invitae), Labcorp
Classification: Uncertain significance for Charcot-Marie-Tooth disease type 1C. Last evaluated: 2025-08-06. Review status: criteria provided, single submitter. Criteria: Invitae Variant Classification Sherloc (09022015). Collection method: clinical testing. Allele origin: germline.
Comment: This sequence change replaces valine, which is neutral and non-polar, with methionine, which is neutral and non-polar, at codon 76 of the LITAF protein (p.Val76Met). This variant is present in population databases (rs371334679, gnomAD 0.04%), and has an allele count higher than expected for a pathogenic variant. This missense change has been observed in individual(s) with clinical features of Charcot-Marie-Tooth disease (PMID: 25614874). ClinVar contains an entry for this variant (Variation ID: 464048). An algorithm developed to predict the effect of missense changes on protein structure and function (PolyPhen-2) suggests that this variant is likely to be tolerated. In summary, the available evidence is currently insufficient to determine the role of this variant in disease. Therefore, it has been classified as a Variant of Uncertain Significance.

Women's Health and Genetics/Laboratory Corporation of America, LabCorp
Classification: Likely benign. Last evaluated: 2025-05-26. Review status: criteria provided, single submitter. Criteria: LabCorp Variant Classification Summary - May 2015. Collection method: clinical testing. Allele origin: germline.
Comment: Variant summary: LITAF c.226G>A (p.Val76Met) results in a conservative amino acid change in the encoded protein sequence. Algorithms developed to predict the effect of missense changes on protein structure and function are either unavailable or do not agree on the potential impact of this missense change. The variant allele was found at a frequency of 0.00012 in 250756 control chromosomes. The observed variant frequency is approximately 115 fold of the estimated maximal expected allele frequency for a pathogenic variant in LITAF causing Charcot-Marie-Tooth disease type 1C phenotype (1e-06). To our knowledge, no occurrence of c.226G>A in individuals affected with Charcot-Marie-Tooth disease type 1C and no experimental evidence demonstrating its impact on protein function have been reported. ClinVar contains an entry for this variant (Variation ID: 464048). Based on the evidence outlined above, the variant was classified as likely benign.

Ambry Genetics
Classification: Likely benign for Inborn genetic diseases. Last evaluated: 2022-06-06. Review status: criteria provided, single submitter. Criteria: Ambry Variant Classification Scheme 2023. Collection method: clinical testing. Allele origin: germline.

CeGaT Center for Human Genetics Tuebingen
Classification: Uncertain significance. Last evaluated: 2017-07-01. Review status: criteria provided, single submitter. Criteria: CeGaT Center For Human Genetics Tuebingen Variant Classification Criteria Version 2. Collection method: clinical testing. Allele origin: germline. Affected: yes. Observed: 1 variant allele.

Literature cited by the submitters: PubMed 25614874 (cited by Labcorp Genetics (formerly Invitae), Labcorp).